The following is an entry in ClinVar:

NM_000016.6(ACADM):c.1066A>G (p.Ile356Val)

Gene: ACADM (acyl-CoA dehydrogenase medium chain; plus strand). Cytogenetic location: 1p31.1.
Variant type: single nucleotide variant.
Coding change: c.1066A>G on transcript NM_000016.6 (MANE Select); coding-DNA position 1066, A replaced by G.
Protein change: p.Ile356Val; replaces isoleucine 356 with valine.
Molecular consequence: missense variant.
Genome position (GRCh38, 1-based): chr1:75,761,242, A>G. VCF-style: chr1-75761242-A-G. GRCh37 (hg19) VCF-style: chr1-76226927-A-G.
Other names: c.1078A>G, p.Ile360Val (NM_001127328.3); c.958A>G, p.Ile320Val (NM_001286042.2); c.1165A>G, p.Ile389Val (NM_001286043.2); c.499A>G, p.Ile167Val (NM_001286044.2); short protein forms I167V, I320V, I360V, I389V, I356V.
Identifiers: ClinVar variation 2159153 (VCV002159153.3), dbSNP rs1312183934, ClinGen allele CA340818096.
Genomic context (GRCh38, chr1:75,761,242, plus strand): 5'-AGTTACCAGAGAGCAGCTTGGGAGGTTGATTCTGGTCGTCGAAATACCTATTATGCTTCT[A>G]TTGCAAAGGCATTTGCTGGAGATATTGCAAATCAGTTAGCTACTGATGCTGTGCAGATAC-3'
Protein context (NP_000007.1, residues 346-366): SGRRNTYYAS[Ile356Val]AKAFAGDIAN

ClinVar aggregate classification (germline): Conflicting classifications of pathogenicity. Review status: criteria provided, conflicting classifications (1 of 4 stars). 2 submissions from 2 submitters: Likely pathogenic (1); Uncertain significance (1). Last evaluated 2025-08-26.

Conditions:
Medium-chain acyl-coenzyme A dehydrogenase deficiency (ACADMD). Also called: CARNITINE DEFICIENCY SECONDARY TO MEDIUM-CHAIN ACYL-CoA DEHYDROGENASE DEFICIENCY; MCADD; MCADH DEFICIENCY; ACADM DEFICIENCY; Medium chain acyl-CoA dehydrogenase deficiency; MCAD Deficiency. Identifiers: Orphanet 42, MedGen C0220710, MONDO:0008721, OMIM 201450.

Allele frequency attached by ClinVar (database versions not stated): TOPMed 0.00001.

Submissions (2):

Myriad Genetics, Inc.
Classification: Uncertain significance for Medium-chain acyl-coenzyme A dehydrogenase deficiency. Last evaluated: 2025-08-26. Review status: criteria provided, single submitter. Criteria: Myriad Autosomal Dominant, Autosomal Recessive and X-Linked Classification Criteria (2023). Collection method: clinical testing. Allele origin: unknown.
Comment: NM_000016.4(ACADM):c.1066A>G(I356V) is a missense variant classified as a variant of uncertain significance in the context of medium-chain acyl-CoA dehydrogenase deficiency. I356V has not been observed in cases with relevant disease. Relevant functional assessments of this variant are not available in the literature. I356V has not been observed in referenced population frequency databases. In summary, there is insufficient evidence to classify NM_000016.4(ACADM):c.1066A>G(I356V) as pathogenic or benign. Please note: this variant was assessed in the context of healthy population screening.

Labcorp Genetics (formerly Invitae), Labcorp
Classification: Likely pathogenic for Medium-chain acyl-coenzyme A dehydrogenase deficiency. Last evaluated: 2022-06-17. Review status: criteria provided, single submitter. Criteria: Invitae Variant Classification Sherloc (09022015). Collection method: clinical testing. Allele origin: germline.
Comment: In summary, the currently available evidence indicates that the variant is pathogenic, but additional data are needed to prove that conclusively. Therefore, this variant has been classified as Likely Pathogenic. This variant disrupts the p.Ile356 amino acid residue in ACADM. Other variant(s) that disrupt this residue have been determined to be pathogenic (PMID: 15832312). This suggests that this residue is clinically significant, and that variants that disrupt this residue are likely to be disease-causing. Advanced modeling of protein sequence and biophysical properties (such as structural, functional, and spatial information, amino acid conservation, physicochemical variation, residue mobility, and thermodynamic stability) performed at Invitae indicates that this missense variant is expected to disrupt ACADM protein function. This variant has not been reported in the literature in individuals affected with ACADM-related conditions. This variant is not present in population databases (gnomAD no frequency). This sequence change replaces isoleucine, which is neutral and non-polar, with valine, which is neutral and non-polar, at codon 356 of the ACADM protein (p.Ile356Val).

Literature cited by the submitters: PubMed 15832312 (cited by Labcorp Genetics (formerly Invitae), Labcorp).